The following is an entry in ClinVar:

ClinVar aggregate classification (germline): Uncertain significance (1 of 4 stars; one submission).

Conditions:
Chédiak-Higashi syndrome (CHS). Also called: Chediak-Higashi Syndrome. Identifiers: Orphanet 167, MedGen C0007965, MONDO:0008963, OMIM 214500.

Allele frequency attached by ClinVar (database versions not stated): gnomAD exomes below 0.00001; gnomAD 0.00002; TOPMed 0.00002.
gnomAD v4.1: 10 of 1,613,672 alleles (0.00062%); highest among the groups gnomAD compares: African/African-American, 0.0067%; no homozygotes.

Submission:

Labcorp Genetics (formerly Invitae), Labcorp
Classification: Uncertain significance for Chédiak-Higashi syndrome. Last evaluated: 2022-08-15. Review status: criteria provided, single submitter. Criteria: Invitae Variant Classification Sherloc (09022015). Collection method: clinical testing. Allele origin: germline.
Comment: This sequence change replaces glutamic acid, which is acidic and polar, with glycine, which is neutral and non-polar, at codon 28 of the LYST protein (p.Glu28Gly). This variant is not present in population databases (gnomAD no frequency). This variant has not been reported in the literature in individuals affected with LYST-related conditions. Algorithms developed to predict the effect of missense changes on protein structure and function output the following: SIFT: "Deleterious"; PolyPhen-2: "Benign"; Align-GVGD: "Class C0". The glycine amino acid residue is found in multiple mammalian species, which suggests that this missense change does not adversely affect protein function. In summary, the available evidence is currently insufficient to determine the role of this variant in disease. Therefore, it has been classified as a Variant of Uncertain Significance.

NM_000081.4(LYST):c.83A>G (p.Glu28Gly)

Gene: LYST (lysosomal trafficking regulator; minus strand). Cytogenetic location: 1q42.3.
Variant type: single nucleotide variant.
Coding change: c.83A>G on transcript NM_000081.4 (MANE Select); coding-DNA position 83, A replaced by G.
Protein change: p.Glu28Gly; replaces glutamic acid 28 with glycine.
Molecular consequence: missense variant. On other transcripts: non-coding transcript variant (1).
Genome position (GRCh38, 1-based): chr1:235,830,335, T>C on the plus strand (A>G on the coding strand, the complement: LYST is on the minus strand). VCF-style: chr1-235830335-T-C. GRCh37 (hg19) VCF-style: chr1-235993635-T-C.
Other names: c.83A>G, p.Glu28Gly (NM_001301365.1); short protein forms E28G.
Identifiers: ClinVar variation 2164033 (VCV002164033.1), dbSNP rs887494891, ClinGen allele CA39625079.
Genomic context (GRCh38, chr1:235,830,335, plus strand): 5'-TGGACAAGGTACTGTCCAAGGGTTGCCATGTGCGTCTCCTCCTCTTCTTCCTCCCTGGCC[T>C]CCACCCTCTGGACCACTGCATTGCAAAGCCGGTTGACATCGGTCAGAAATTCACGTGCCA-3'
Protein context (NP_000072.2, residues 18-38): RLCNAVVQRV[Glu28Gly]AREEEEEETH